The following is an entry in ClinVar:

ClinVar aggregate classification (germline): Uncertain significance (1 of 4 stars; one submission).

Conditions:
Hypertrophic cardiomyopathy 9. Also called: Familial hypertrophic cardiomyopathy 9. Identifiers: MedGen C1861065, MONDO:0013412, OMIM 613765.

Submission:

3billion
Classification: Uncertain significance for Hypertrophic cardiomyopathy 9. Last evaluated: 2026-01-06. Review status: criteria provided, single submitter. Criteria: ACMG Guidelines, 2015. Collection method: clinical testing. Allele origin: germline. Affected: yes.
Comment: The variant is not observed in the gnomAD v4.1.0 dataset. Predicted Consequence/Location: Frameshift: predicted to result in a loss or disruption of normal protein function through nonsense-mediated decay (NMD) or protein truncation. Multiple pathogenic variants are reported downstream of the variant. However, this variant is located within the I-band of the TTN gene, whereas the majority of TTN loss-of-function variants associated with cardiomyopathy are located in A-band. Therefore, it remains uncertain whether this loss-of-function variant would be disease-causing at this time. Therefore, this variant is classified as VUS according to the recommendation of ACMG/AMP guideline.

NM_001267550.2(TTN):c.13375del (p.Ile4459fs)

Gene: TTN (titin; minus strand). Cytogenetic location: 2q31.2.
Variant type: Deletion.
Coding change: c.13375del on transcript NM_001267550.2 (MANE Select); coding-DNA position 13375, one base deleted (A; older notation c.13375delA).
Protein change: p.Ile4459fs; shifts the reading frame from isoleucine 4459.
Molecular consequence: frameshift variant. On other transcripts: intron variant (1).
Genome position (GRCh38, 1-based): chr2:178,739,858, T deleted on the plus strand (A on the coding strand, the reverse complement: TTN is on the minus strand). VCF-style (leftmost placement, unchanged base first): chr2-178739857-AT-A. GRCh37 (hg19) VCF-style: chr2-179604584-AT-A.
Other names: c.12424del, p.Ile4142fs (NM_001256850.1); c.12286del, p.Ile4096fs (NM_003319.4); c.12661del, p.Ile4221fs (NM_133432.3); c.12862del, p.Ile4288fs (NM_133437.4); c.10361-1498del (NM_133378.4); short protein forms I4096fs, I4142fs, I4221fs, I4288fs, I4459fs.
Identifiers: ClinVar variation 4855656 (VCV004855656.1).
Genomic context (GRCh38, chr2:178,739,857, plus strand): 5'-GCACACAAAGCATCCCTAAGTTCCATTTTCAGGTTAGCCATTTGAGGATCAACATCTTCA[AT>A]AATGATGGTTACTTCTTCTGTTACAGACTTTGCCGAAGTAACAAGGTACATGCACATGAT-3'